The following is an entry in ClinVar:

ClinVar aggregate classification (germline): Uncertain significance (1 of 4 stars; one submission).

Conditions:
Fanconi anemia (FA). Also called: Fanconi's anemia. Identifiers: Orphanet 84, MedGen C0015625, MeSH D005199, MONDO:0019391.

Submission:

Labcorp Genetics (formerly Invitae), Labcorp
Classification: Uncertain significance for Fanconi anemia. Last evaluated: 2023-08-24. Review status: criteria provided, single submitter. Criteria: Invitae Variant Classification Sherloc (09022015). Collection method: clinical testing. Allele origin: germline.
Comment: This sequence change replaces arginine, which is basic and polar, with leucine, which is neutral and non-polar, at codon 880 of the FANCA protein (p.Arg880Leu). In summary, the available evidence is currently insufficient to determine the role of this variant in disease. Therefore, it has been classified as a Variant of Uncertain Significance. This variant disrupts the p.Arg880 amino acid residue in FANCA. Other variant(s) that disrupt this residue have been determined to be pathogenic (PMID: 16397136, 19367192, 21273304, 29098742; Invitae). This suggests that this residue is clinically significant, and that variants that disrupt this residue are likely to be disease-causing. Advanced modeling of protein sequence and biophysical properties (such as structural, functional, and spatial information, amino acid conservation, physicochemical variation, residue mobility, and thermodynamic stability) performed at Invitae indicates that this missense variant is expected to disrupt FANCA protein function. This variant has not been reported in the literature in individuals affected with FANCA-related conditions. This variant is not present in population databases (gnomAD no frequency).

Literature cited by the submitters: PubMed 16397136; PubMed 19367192; PubMed 21273304; PubMed 29098742.

NM_000135.4(FANCA):c.2639G>T (p.Arg880Leu)

Genes: FANCA (FA complementation group A; minus strand), LOC130059837 (ATAC-STARR-seq lymphoblastoid active region 11420; plus strand). Cytogenetic location: 16q24.3.
Variant type: single nucleotide variant.
Coding change: c.2639G>T on transcript NM_000135.4 (MANE Select); coding-DNA position 2639, G replaced by T.
Protein change: p.Arg880Leu; replaces arginine 880 with leucine.
Molecular consequence: missense variant.
Genome position (GRCh38, 1-based): chr16:89,765,029, C>A on the plus strand (G>T on the coding strand, the complement: FANCA is on the minus strand). VCF-style: chr16-89765029-C-A. GRCh37 (hg19) VCF-style: chr16-89831437-C-A.
Other names: c.2639G>T, p.Arg880Leu (NM_001286167.3); short protein forms R880L.
Identifiers: ClinVar variation 3017163 (VCV003017163.3), dbSNP rs372254398, ClinGen allele CA397438809.